The following is an entry in ClinVar:

ClinVar aggregate classification (germline): Likely pathogenic. Review status: criteria provided, multiple submitters, no conflicts (2 of 4 stars). 2 submissions from 2 submitters: Likely pathogenic (2). Last evaluated 2023-03-18.

Conditions:
DYNC2H1-related disorder. Also called: DYNC2H1-related condition; DYNC2H1-related disorders. Identifiers: MedGen CN378770.
Jeune thoracic dystrophy. Also called: Short-rib thoracic dysplasia; Jeune syndrome; Infantile thoracic dystrophy; Thoracic pelvic phalangeal dystrophy; Jeune's syndrome; Chondroectodermal dysplasia-like syndrome. Identifiers: Orphanet 474, MedGen C0265275, MONDO:0018770.

Allele frequency attached by ClinVar (database versions not stated): TOPMed below 0.00001.

Submissions (2):

Labcorp Genetics (formerly Invitae), Labcorp
Classification: Likely pathogenic for Jeune thoracic dystrophy. Last evaluated: 2023-03-18. Review status: criteria provided, single submitter. Criteria: Invitae Variant Classification Sherloc (09022015). Collection method: clinical testing. Allele origin: germline.
Comment: In summary, the currently available evidence indicates that the variant is pathogenic, but additional data are needed to prove that conclusively. Therefore, this variant has been classified as Likely Pathogenic. Algorithms developed to predict the effect of sequence changes on RNA splicing suggest that this variant may disrupt the consensus splice site. This variant has not been reported in the literature in individuals affected with DYNC2H1-related conditions. This variant is present in population databases (no rsID available, gnomAD 0.01%). This sequence change affects an acceptor splice site in intron 16 of the DYNC2H1 gene. It is expected to disrupt RNA splicing. Variants that disrupt the donor or acceptor splice site typically lead to a loss of protein function (PMID: 16199547), and loss-of-function variants in DYNC2H1 are known to be pathogenic (PMID: 23339108, 32753734).

Blueprint Genetics
Classification: Likely pathogenic for DYNC2H1-related disorders. Last evaluated: 2022-09-02. Review status: criteria provided, single submitter. Criteria: ACMG Guidelines, 2015. Collection method: clinical testing. Allele origin: germline. Affected: yes. Observed: 1 variant allele.

Literature cited by the submitters: PubMed 16199547 (cited by Labcorp Genetics (formerly Invitae), Labcorp); PubMed 23339108 (cited by Labcorp Genetics (formerly Invitae), Labcorp); PubMed 32753734 (cited by Labcorp Genetics (formerly Invitae), Labcorp).

NM_001377.3(DYNC2H1):c.2346-1G>A

Gene: DYNC2H1 (dynein cytoplasmic 2 heavy chain 1; plus strand). Cytogenetic location: 11q22.3.
Variant type: single nucleotide variant.
Coding change: c.2346-1G>A on transcript NM_001377.3 (MANE Select); the canonical splice acceptor site of the intron before coding-DNA position 2346, G replaced by A.
Molecular consequence: splice acceptor variant.
Genome position (GRCh38, 1-based): chr11:103,135,719, G>A. VCF-style: chr11-103135719-G-A. GRCh37 (hg19) VCF-style: chr11-103006448-G-A.
Other names: c.2346-1G>A (NM_001080463.2).
Identifiers: ClinVar variation 2886522 (VCV002886522.4), dbSNP rs923787197, ClinGen allele CA227408732.
Genomic context (GRCh38, chr11:103,135,719, plus strand): 5'-TTAATGTTCATTGTATAATTTTCTAACAATTTATGTTTTAAAGTTATTTATTTACTTTTA[G>A]ACAGGGACGATTACAATTCAGGCCCCCTTTTGAAGAAATCCGGGCTAAATATTATAGAGA-3'